The following is an entry in ClinVar:

NM_000213.5(ITGB4):c.256del (p.Ile86fs)

Gene: ITGB4 (integrin subunit beta 4; plus strand). Cytogenetic location: 17q25.1.
Variant type: Deletion.
Coding change: c.256del on transcript NM_000213.5 (MANE Select); coding-DNA position 256, one base deleted (A; older notation c.256delA).
Protein change: p.Ile86fs; shifts the reading frame from isoleucine 86.
Molecular consequence: frameshift variant.
Genome position (GRCh38, 1-based): chr17:75,727,497, A deleted; the last of 3 consecutive A bases (chr17:75,727,495-75,727,497); deleting any one gives the same sequence. VCF-style (leftmost placement, unchanged base first): chr17-75727494-CA-C. GRCh37 (hg19) VCF-style: chr17-73723575-CA-C.
Other names: c.256del, p.Ile86fs (NM_001321123.2, NM_001005731.3); c.256delA, p.Ile86Serfs (NM_001005619.2); short protein forms I86fs.
Identifiers: ClinVar variation 2819888 (VCV002819888.3), dbSNP rs1318196714, ClinGen allele CA502047807.

ClinVar aggregate classification (germline): Pathogenic (1 of 4 stars; one submission).

Submission:

Labcorp Genetics (formerly Invitae), Labcorp
Classification: Pathogenic. Last evaluated: 2023-07-28. Review status: criteria provided, single submitter. Criteria: Invitae Variant Classification Sherloc (09022015). Collection method: clinical testing. Allele origin: germline.
Comment: For these reasons, this variant has been classified as Pathogenic. This variant has not been reported in the literature in individuals affected with ITGB4-related conditions. This variant is present in population databases (no rsID available, gnomAD 0.007%). This sequence change creates a premature translational stop signal (p.Ile86Serfs*75) in the ITGB4 gene. It is expected to result in an absent or disrupted protein product. Loss-of-function variants in ITGB4 are known to be pathogenic (PMID: 11328943, 16473856).

Literature cited by the submitters: PubMed 11328943; PubMed 16473856.